The following is an entry in ClinVar:

ClinVar aggregate classification (germline): Uncertain significance (1 of 4 stars; one submission).

Allele frequency attached by ClinVar (database versions not stated): gnomAD exomes below 0.00001; TOPMed below 0.00001.
gnomAD v4.1: 1 of 1,614,128 alleles (0.000062%); highest among the groups gnomAD compares: South Asian, 0.0011%; no homozygotes.

Submission:

Ambry Genetics
Classification: Uncertain significance. Last evaluated: 2023-08-31. Review status: criteria provided, single submitter. Criteria: Ambry Variant Classification Scheme 2023. Collection method: clinical testing. Allele origin: germline.
Comment: The p.E27* variant (also known as c.79G>T), located in coding exon 2 of the RINT1 gene, results from a G to T substitution at nucleotide position 79. This changes the amino acid from a glutamic acid to a stop codon within coding exon 2. This alteration is expected to result in loss of function by premature protein truncation or nonsense-mediated mRNA decay. The evidence for this gene-disease relationship is limited; therefore, the clinical significance of this alteration is unclear.

NM_021930.6(RINT1):c.79G>T (p.Glu27Ter)

Gene: RINT1 (RAD50 interactor 1; plus strand). Cytogenetic location: 7q22.3.
Variant type: single nucleotide variant.
Coding change: c.79G>T on transcript NM_021930.6 (MANE Select); coding-DNA position 79, G replaced by T.
Protein change: p.Glu27Ter; replaces glutamic acid 27 with a stop codon.
Molecular consequence: nonsense. On other transcripts: 5 prime UTR variant (4), non-coding transcript variant (1).
Genome position (GRCh38, 1-based): chr7:105,532,860, G>T. VCF-style: chr7-105532860-G-T. GRCh37 (hg19) VCF-style: chr7-105173307-G-T.
Other names: c.-19G>T (NM_001346599.2); c.-941G>T (NM_001346600.2); c.-844G>T (NM_001346601.2); c.-464G>T (NM_001346603.2); short protein forms E27*.
Identifiers: ClinVar variation 2622737 (VCV002622737.2), dbSNP rs1311763559, ClinGen allele CA368799464.